The following is an entry in ClinVar:

ClinVar aggregate classification (germline): Uncertain significance (1 of 4 stars; one submission).

Conditions:
PEX12-related disorder. Also called: PEX12-related condition; PEX12-related disorders.

Submission:

PreventionGenetics, part of Exact Sciences
Classification: Uncertain significance for PEX12-related condition. Last evaluated: 2025-12-03. Review status: criteria provided, single submitter. Criteria: ACMG Guidelines, 2015. Collection method: clinical testing. Allele origin: germline.
Comment: The PEX12 c.56C>T variant is predicted to result in the amino acid substitution p.Ser19Phe. To our knowledge, this variant has not been reported in the literature or in a large population database (gnomAD), indicating this variant is rare. At this time, the clinical significance of this variant is uncertain due to the absence of conclusive functional and genetic evidence.

NM_000286.3(PEX12):c.56C>T (p.Ser19Phe)

Gene: PEX12 (peroxisomal biogenesis factor 12; minus strand). Cytogenetic location: 17q12.
Variant type: single nucleotide variant.
Coding change: c.56C>T on transcript NM_000286.3 (MANE Select); coding-DNA position 56, C replaced by T.
Protein change: p.Ser19Phe; replaces serine 19 with phenylalanine.
Molecular consequence: missense variant.
Genome position (GRCh38, 1-based): chr17:35,577,966, G>A on the plus strand (C>T on the coding strand, the complement: PEX12 is on the minus strand). VCF-style: chr17-35577966-G-A. GRCh37 (hg19) VCF-style: chr17-33904985-G-A.
Other names: short protein forms S19F.
Identifiers: ClinVar variation 4996432 (VCV004996432.1).
Genomic context (GRCh38, chr17:35,577,966, plus strand): 5'-TGCTGAAGAGCGGGTCTCACTGCTGTCATTAAACTGTCCTGTGCTACCACCTCAAAGATG[G>A]ATGGCTGGTCATCGGCCACAGAAGCAGCTGTGAAGTGAGCCCCGTGCTCAGCCATAGTTT-3'
Protein context (NP_000277.1, residues 9-29): TAASVADDQP[Ser19Phe]IFEVVAQDSL